The following is an entry in ClinVar:

ClinVar aggregate classification (germline): Uncertain significance. Review status: criteria provided, multiple submitters, no conflicts (2 of 4 stars). 2 submissions from 2 submitters: Uncertain significance (2). Last evaluated 2024-04-16.

Conditions:
Malignant hyperthermia, susceptibility to, 1 (MHS1). Also called: Malignant hyperthermia suceptibility 1; Anesthesia related hyperthermia; Malignant hyperpyrexia; Fulminating hyperpyrexia; Pharmacogenic myopathy; RYR1-Related Malignant Hyperthermia Susceptibility. Identifiers: Orphanet 423, MedGen C2930980, MONDO:0007783, OMIM 145600.
RYR1-related disorder. Also called: RYR1-related disorders; RYR1-related condition. Identifiers: MedGen CN239331.

Allele frequency attached by ClinVar (database versions not stated): gnomAD exomes below 0.00001.
gnomAD v4.1: 1 of 1,613,862 alleles (0.000062%); highest among the groups gnomAD compares: Non-Finnish European, 0.000085%; no homozygotes.

Submissions (2):

All of Us Research Program, National Institutes of Health
Classification: Uncertain significance for Malignant hyperthermia, susceptibility to, 1. Last evaluated: 2024-04-16. Review status: criteria provided, single submitter. Criteria: ACMG Guidelines, 2015. Collection method: clinical testing. Allele origin: germline. Inheritance: Autosomal dominant inheritance. Observed: 1 variant allele, 1 heterozygote.
Comment: This missense variant replaces alanine with valine at codon 3291 of the RYR1 protein. Computational prediction suggests that this variant may not impact protein structure and function (internally defined REVEL score threshold <= 0.5, PMID: 27666373). To our knowledge, functional studies have not been reported for this variant. This variant has not been reported in individuals affected with RYR1-related disorders in the literature. This variant has not been identified in the general population by the Genome Aggregation Database (gnomAD). The available evidence is insufficient to determine the role of this variant in disease conclusively. Therefore, this variant is classified as a Variant of Uncertain Significance.

This study involves interpretation of variants in research participants for the purpose of population health screening. Participant phenotype was not available at the time of variant classification. Additional details can be found in publication PMID: 35346344, PMCID: PMC8962531

Labcorp Genetics (formerly Invitae), Labcorp
Classification: Uncertain significance for RYR1-related disorder. Last evaluated: 2022-05-04. Review status: criteria provided, single submitter. Criteria: Invitae Variant Classification Sherloc (09022015). Collection method: clinical testing. Allele origin: germline.
Comment: In summary, the available evidence is currently insufficient to determine the role of this variant in disease. Therefore, it has been classified as a Variant of Uncertain Significance. Algorithms developed to predict the effect of sequence changes on RNA splicing suggest that this variant may create or strengthen a splice site. Advanced modeling of protein sequence and biophysical properties (such as structural, functional, and spatial information, amino acid conservation, physicochemical variation, residue mobility, and thermodynamic stability) performed at Invitae indicates that this missense variant is not expected to disrupt RYR1 protein function. This variant has not been reported in the literature in individuals affected with RYR1-related conditions. This variant is not present in population databases (gnomAD no frequency). This sequence change replaces alanine, which is neutral and non-polar, with valine, which is neutral and non-polar, at codon 3291 of the RYR1 protein (p.Ala3291Val).

NM_000540.3(RYR1):c.9872C>T (p.Ala3291Val)

Gene: RYR1 (ryanodine receptor 1; plus strand). Cytogenetic location: 19q13.2.
Variant type: single nucleotide variant.
Coding change: c.9872C>T on transcript NM_000540.3 (MANE Select); coding-DNA position 9872, C replaced by T.
Protein change: p.Ala3291Val; replaces alanine 3291 with valine.
Molecular consequence: missense variant.
Genome position (GRCh38, 1-based): chr19:38,517,545, C>T. VCF-style: chr19-38517545-C-T. GRCh37 (hg19) VCF-style: chr19-39008185-C-T.
Other names: c.9872C>T, p.Ala3291Val (NM_001042723.2); short protein forms A3291V.
Identifiers: ClinVar variation 1985420 (VCV001985420.5), dbSNP rs2514433651, ClinGen allele CA405692521.